The following is an entry in ClinVar:

NM_006885.4(ZFHX3):c.4637A>G (p.Lys1546Arg)

Genes: ZFHX3 (zinc finger homeobox 3; minus strand), ZFHX3-AS1 (ZFHX3 antisense RNA 1; plus strand). Cytogenetic location: 16q22.2.
Variant type: single nucleotide variant.
Coding change: c.4637A>G on transcript NM_006885.4 (MANE Select); coding-DNA position 4637, A replaced by G.
Protein change: p.Lys1546Arg; replaces lysine 1546 with arginine.
Molecular consequence: missense variant.
Genome position (GRCh38, 1-based): chr16:72,798,045, T>C on the plus strand (A>G on the coding strand, the complement: ZFHX3 is on the minus strand). VCF-style: chr16-72798045-T-C. GRCh37 (hg19) VCF-style: chr16-72831944-T-C.
Other names: c.1895A>G, p.Lys632Arg (NM_001164766.2); c.4637A>G, p.Lys1546Arg (NM_001386735.1); short protein forms K1546R, K632R.
Identifiers: ClinVar variation 4823102 (VCV004823102.4).
Genomic context (GRCh38, chr16:72,798,045, plus strand): 5'-GAATTGTAGTGTACTAGCAGGATATTCTTTTGAGTGAAAGATTCCTTGCAGACGGTACAC[T>C]TGTAAGGGCGAGAAGGGTCTAGGAACTTTTCCATAGTAAAATTGGGACCTTTTCTGAAAG-3'
Protein context (NP_008816.3, residues 1536-1556): EKFLDPSRPY[Lys1546Arg]CTVCKESFTQ

ClinVar aggregate classification (germline): Uncertain significance (1 of 4 stars; one submission).

gnomAD v4.1: 1 of 1,614,192 alleles (0.000062%); highest among the groups gnomAD compares: Non-Finnish European, 0.000085%; no homozygotes.

Submission:

CeGaT Center for Human Genetics Tuebingen
Classification: Uncertain significance. Last evaluated: 2026-01-01. Review status: criteria provided, single submitter. Criteria: CeGaT Center For Human Genetics Tuebingen Variant Classification Criteria Version 2. Collection method: clinical testing. Allele origin: germline. Affected: yes. Observed: 1 variant allele.
Comment: ZFHX3: PM2